The following is an entry in ClinVar:

NM_000064.4(C3):c.2797-5C>T

Gene: C3 (complement C3; minus strand). Cytogenetic location: 19p13.3.
Variant type: single nucleotide variant.
Coding change: c.2797-5C>T on transcript NM_000064.4 (MANE Select); 5 bases into the intron before coding-DNA position 2797, C replaced by T.
Molecular consequence: intron variant.
Genome position (GRCh38, 1-based): chr19:6,696,664, G>A on the plus strand (C>T on the coding strand, the complement: C3 is on the minus strand). VCF-style: chr19-6696664-G-A. GRCh37 (hg19) VCF-style: chr19-6696675-G-A.
Identifiers: ClinVar variation 892763 (VCV000892763.12), dbSNP rs369673832, ClinGen allele CA9128963.
Genomic context (GRCh38, chr19:6,696,664, plus strand): 5'-CGTTCTGGATCCAGGGTGCGAACAGCCACAGTTTTGTTCATTCTGATTCCTTCCGGCTAC[G>A]CAGTGTTAGAGGTGGGGGGAGTCGTTGGATGAATAAAAGAACAGACAGACACACAGATGG-3'

ClinVar aggregate classification (germline): Conflicting classifications of pathogenicity. Review status: criteria provided, conflicting classifications (1 of 4 stars). 5 submissions from 3 submitters: Uncertain significance (2); Benign (1); Likely benign (2). Last evaluated 2025-09-21.

Conditions:
Atypical hemolytic-uremic syndrome with C3 anomaly. Also called: AHUS, SUSCEPTIBILITY TO, 5. Identifiers: Orphanet 2134, MedGen C2752037, MONDO:0013043, OMIM 612925.
Age related macular degeneration 9. Identifiers: MedGen C1969651, MONDO:0012659, OMIM 611378.
Complement component 3 deficiency. Identifiers: Orphanet 280133, MedGen C3151071, MONDO:0013417, OMIM 613779.

Allele frequency attached by ClinVar (database versions not stated): TOPMed 0.00003; ESP Exome Variant Server 0.00008; gnomAD 0.00009 and 0.00010; gnomAD exomes 0.00010 and 0.00011; ExAC 0.00012.
gnomAD v4.1: 158 of 1,613,522 alleles (0.0098%); highest among the groups gnomAD compares: Middle Eastern, 0.23%; no homozygotes.

Submissions (5):

Labcorp Genetics (formerly Invitae), Labcorp
Classification: Likely benign. Last evaluated: 2025-09-21. Review status: criteria provided, single submitter. Criteria: Invitae Variant Classification Sherloc (09022015). Collection method: clinical testing. Allele origin: germline.

Blueprint Genetics
Classification: Likely benign. Last evaluated: 2024-09-17. Review status: criteria provided, single submitter. Criteria: ACMG Guidelines, 2015. Collection method: clinical testing. Allele origin: germline.

Illumina Laboratory Services, Illumina
Classification: Benign for Atypical hemolytic-uremic syndrome with C3 anomaly. Last evaluated: 2017-05-17. Review status: criteria provided, single submitter. Criteria: ICSL Variant Classification Criteria 13 December 2019. Collection method: clinical testing. Allele origin: germline.
Comment: This variant was observed as part of a predisposition screen in an ostensibly healthy population. A literature search was performed for the gene, cDNA change, and amino acid change (where applicable). No publications were found based on this search. Allele frequency data from public databases was too high to be consistent with this variant causing disease. Therefore, this variant is classified as benign.

Illumina Laboratory Services, Illumina
Classification: Uncertain significance for Age related macular degeneration 9. Last evaluated: 2017-04-27. Review status: criteria provided, single submitter. Criteria: ICSL Variant Classification Criteria 13 December 2019. Collection method: clinical testing. Allele origin: germline.

Illumina Laboratory Services, Illumina
Classification: Uncertain significance for Complement component 3 deficiency. Last evaluated: 2017-04-27. Review status: criteria provided, single submitter. Criteria: ICSL Variant Classification Criteria 13 December 2019. Collection method: clinical testing. Allele origin: germline.